The following is an entry in ClinVar:

ClinVar aggregate classification (germline): Uncertain significance (1 of 4 stars; one submission).

Allele frequency attached by ClinVar (database versions not stated): ExAC 0.00001; gnomAD 0.00001; gnomAD exomes 0.00001.
gnomAD v4.1: 6 of 1,614,122 alleles (0.00037%); highest among the groups gnomAD compares: South Asian, 0.0066%; no homozygotes.

Submission:

Labcorp Genetics (formerly Invitae), Labcorp
Classification: Uncertain significance. Last evaluated: 2022-11-22. Review status: criteria provided, single submitter. Criteria: Invitae Variant Classification Sherloc (09022015). Collection method: clinical testing. Allele origin: germline.
Comment: This variant is not present in population databases (gnomAD no frequency). This sequence change replaces cysteine, which is neutral and slightly polar, with tyrosine, which is neutral and polar, at codon 867 of the TECTA protein (p.Cys867Tyr). This variant has not been reported in the literature in individuals affected with TECTA-related conditions. In summary, the available evidence is currently insufficient to determine the role of this variant in disease. Therefore, it has been classified as a Variant of Uncertain Significance. Advanced modeling of protein sequence and biophysical properties (such as structural, functional, and spatial information, amino acid conservation, physicochemical variation, residue mobility, and thermodynamic stability) performed at Invitae indicates that this missense variant is not expected to disrupt TECTA protein function.

NM_005422.4(TECTA):c.2600G>A (p.Cys867Tyr)

Genes: TBCEL-TECTA (TBCEL-TECTA readthrough; plus strand), TECTA (tectorin alpha; plus strand), LOC126861365 (P300/CBP strongly-dependent group 1 enhancer GRCh37_chr11:121000154-121001353; plus strand). Cytogenetic location: 11q23.3.
Variant type: single nucleotide variant.
Coding change: c.2600G>A on transcript NM_005422.4 (MANE Select); coding-DNA position 2600, G replaced by A.
Protein change: p.Cys867Tyr; replaces cysteine 867 with tyrosine.
Molecular consequence: missense variant.
Genome position (GRCh38, 1-based): chr11:121,129,870, G>A. VCF-style: chr11-121129870-G-A. GRCh37 (hg19) VCF-style: chr11-121000579-G-A.
Other names: c.3557G>A, p.Cys1186Tyr (NM_001378761.1); short protein forms C867Y, C1186Y.
Identifiers: ClinVar variation 1938608 (VCV001938608.5), dbSNP rs751053969, ClinGen allele CA6327026.
Genomic context (GRCh38, chr11:121,129,870, plus strand): 5'-GCTTGTGCGGCTTCTACAATGCCAACGCCAGTGACGAGTTCTGTCTCCCCAACGGCAAGT[G>A]CACGGACAACCTGGCAGTGTTCCTGGAAAGCTGGACAACTTTCGAGGAGATCTGCAATGG-3'
Protein context (NP_005413.2, residues 857-877): SDEFCLPNGK[Cys867Tyr]TDNLAVFLES